The following is an entry in ClinVar:

ClinVar aggregate classification (germline): Uncertain significance. Review status: criteria provided, multiple submitters, no conflicts (2 of 4 stars). 2 submissions from 2 submitters: Uncertain significance (2). Last evaluated 2025-04-03.

Conditions:
Hereditary cancer-predisposing syndrome. Also called: Tumor predisposition; Hereditary Cancer Syndrome; Neoplastic Syndromes, Hereditary; Hereditary neoplastic syndrome. Identifiers: Orphanet 140162, MedGen C0027672, MeSH D009386, MONDO:0015356.
Rhabdoid tumor predisposition syndrome 2 (RTPS2). Identifiers: Orphanet 231108, Orphanet 69077, MedGen C2750074, MONDO:0013224, OMIM 613325.

Allele frequency attached by ClinVar (database versions not stated): gnomAD exomes below 0.00001.
gnomAD v4.1: 1 of 1,613,822 alleles (0.000062%); highest among the groups gnomAD compares: Non-Finnish European, 0.000085%; no homozygotes.

Submissions (2):

Ambry Genetics
Classification: Uncertain significance for Hereditary cancer-predisposing syndrome. Last evaluated: 2025-04-03. Review status: criteria provided, single submitter. Criteria: Ambry Variant Classification Scheme 2023. Collection method: clinical testing. Allele origin: germline.
Comment: The c.2788C>T (p.P930S) alteration is located in exon 19 (coding exon 18) of the SMARCA4 gene. This alteration results from a C to T substitution at nucleotide position 2788, causing the proline (P) at amino acid position 930 to be replaced by a serine (S). This variant was not reported in population-based cohorts in the Genome Aggregation Database (gnomAD). This amino acid position is highly conserved in available vertebrate species. This missense alteration is located in a region that has a low rate of benign missense variation (Lek, 2016; Firth, 2009). This alteration is predicted to be deleterious by in silico analysis. Based on insufficient or conflicting evidence, the clinical significance of this alteration remains unclear.

St. Jude Molecular Pathology, St. Jude Children's Research Hospital
Classification: Uncertain significance for Rhabdoid tumor predisposition syndrome 2. Last evaluated: 2024-01-20. Review status: criteria provided, single submitter. Criteria: St. Jude Assertion Criteria 2020. Collection method: clinical testing. Allele origin: germline.
Comment: The SMARCA4 c.2788C>T (p.Pro930Ser) missense change is absent in gnomAD v2.1.1. The in silico tool REVEL predicts a deleterious effect on protein function, but to our knowledge this prediction has not been confirmed by functional studies. To our knowledge, this variant has not been reported in individuals with rhabdoid tumor predisposition syndrome. In summary, the evidence currently available is insufficient to determine the clinical significance of this variant. It has therefore been classified as of uncertain significance.

NM_003072.5(SMARCA4):c.2788C>T (p.Pro930Ser)

Gene: SMARCA4 (SWI/SNF related BAF chromatin remodeling complex subunit ATPase 4; plus strand). Cytogenetic location: 19p13.2.
Variant type: single nucleotide variant.
Coding change: c.2788C>T on transcript NM_003072.5 (MANE Select); coding-DNA position 2788, C replaced by T.
Protein change: p.Pro930Ser; replaces proline 930 with serine.
Molecular consequence: missense variant. On other transcripts: non-coding transcript variant (1).
Genome position (GRCh38, 1-based): chr19:11,021,896, C>T. VCF-style: chr19-11021896-C-T. GRCh37 (hg19) VCF-style: chr19-11132572-C-T.
Other names: c.2788C>T, p.Pro930Ser (NM_001128844.3, NM_001128845.2, NM_001128846.2 and 4 more transcripts); c.2788C>T (NM_001128849.2); short protein forms P930S.
Identifiers: ClinVar variation 821812 (VCV000821812.7), dbSNP rs1600279182, ClinGen allele CA404056544.